The following is an entry in ClinVar:

NM_194293.4(XIRP1):c.330G>C (p.Glu110Asp)

Gene: XIRP1 (xin actin binding repeat containing 1; minus strand). Cytogenetic location: 3p22.2.
Variant type: single nucleotide variant.
Coding change: c.330G>C on transcript NM_194293.4 (MANE Select); coding-DNA position 330, G replaced by C.
Protein change: p.Glu110Asp; replaces glutamic acid 110 with aspartic acid.
Molecular consequence: missense variant. On other transcripts: intron variant (1).
Genome position (GRCh38, 1-based): chr3:39,189,116, C>G on the plus strand (G>C on the coding strand, the complement: XIRP1 is on the minus strand). VCF-style: chr3-39189116-C-G. GRCh37 (hg19) VCF-style: chr3-39230607-C-G.
Other names: c.330G>C, p.Glu110Asp (NM_001198621.4); c.-168+3330G>C (NM_001351377.2); short protein forms E110D.
Identifiers: ClinVar variation 3038379 (VCV003038379.2), dbSNP rs146075058, ClinGen allele CA2326763.

ClinVar aggregate classification (germline): Likely benign (0 of 4 stars; one submission).

Conditions:
XIRP1-related disorder. Also called: XIRP1-related condition.

Allele frequency attached by ClinVar (database versions not stated): 1000 Genomes Project 30x 0.00062; 1000 Genomes Project 0.00080; TOPMed 0.00191; ExAC 0.00199; ESP Exome Variant Server 0.00300; gnomAD exomes 0.00319.

Submission:

PreventionGenetics, part of Exact Sciences
Classification: Likely benign for XIRP1-related condition. Last evaluated: 2022-02-01. Review status: no assertion criteria provided. Collection method: clinical testing. Allele origin: germline.
Comment: This variant is classified as likely benign based on ACMG/AMP sequence variant interpretation guidelines (Richards et al. 2015 PMID: 25741868, with internal and published modifications).